The following is an entry in ClinVar:

NM_006929.5(SKIC2):c.2332G>T (p.Asp778Tyr)

Gene: SKIC2 (SKI2 subunit of superkiller complex; plus strand). Cytogenetic location: 6p21.33.
Variant type: single nucleotide variant.
Coding change: c.2332G>T on transcript NM_006929.5 (MANE Select); coding-DNA position 2332, G replaced by T.
Protein change: p.Asp778Tyr; replaces aspartic acid 778 with tyrosine.
Molecular consequence: missense variant.
Genome position (GRCh38, 1-based): chr6:31,966,838, G>T. VCF-style: chr6-31966838-G-T. GRCh37 (hg19) VCF-style: chr6-31934615-G-T.
Other names: short protein forms D778Y.
Identifiers: ClinVar variation 1955416 (VCV001955416.4), dbSNP rs747539757, ClinGen allele CA3729734.
Genomic context (GRCh38, chr6:31,966,838, plus strand): 5'-GATGCCCTCAGGGTGGAGGACATGATGAAGAGGAGCTTCTCTGAGTTTCCCTCCCGCAAA[G>T]ACAGCAAGGTAAGGAGCCTGGGGTAACCAGTGTGTGGAGCAGGAGGTTGGCCAAAGACAG-3'
Protein context (NP_008860.4, residues 768-788): RSFSEFPSRK[Asp778Tyr]SKAHEQALAE

ClinVar aggregate classification (germline): Uncertain significance (1 of 4 stars; one submission).

Allele frequency attached by ClinVar (database versions not stated): ExAC 0.00001.
gnomAD v4.1: 4 of 1,614,210 alleles (0.00025%); highest among the groups gnomAD compares: Non-Finnish European, 0.00025%; no homozygotes.

Submission:

Labcorp Genetics (formerly Invitae), Labcorp
Classification: Uncertain significance. Last evaluated: 2024-01-02. Review status: criteria provided, single submitter. Criteria: Invitae Variant Classification Sherloc (09022015). Collection method: clinical testing. Allele origin: germline.
Comment: This sequence change replaces aspartic acid, which is acidic and polar, with tyrosine, which is neutral and polar, at codon 778 of the SKIV2L protein (p.Asp778Tyr). This variant is present in population databases (rs747539757, gnomAD 0.0009%). This variant has not been reported in the literature in individuals affected with SKIV2L-related conditions. ClinVar contains an entry for this variant (Variation ID: 1955416). An algorithm developed to predict the effect of missense changes on protein structure and function (PolyPhen-2) suggests that this variant is likely to be disruptive. In summary, the available evidence is currently insufficient to determine the role of this variant in disease. Therefore, it has been classified as a Variant of Uncertain Significance.